The following is an entry in ClinVar:

ClinVar aggregate classification (germline): Benign/Likely benign. Review status: criteria provided, multiple submitters, no conflicts (2 of 4 stars). 3 submissions from 3 submitters: Benign (2); Likely benign (1). Last evaluated 2024-10-28.

Conditions:
Polycystic kidney disease, adult type (PKD1). Also called: Polycystic Kidney Disease 1, Autosomal Dominant; Polycystic kidney disease 1; Polycystic kidney disease 1, severe; Polycystic Kidney, Autosomal Dominant; POLYCYSTIC KIDNEY DISEASE 1 WITH OR WITHOUT POLYCYSTIC LIVER DISEASE; POLYCYSTIC KIDNEY DISEASE, ADULT, TYPE I. Identifiers: MedGen C3149841, MONDO:0008263, OMIM 173900.

Allele frequency attached by ClinVar (database versions not stated): gnomAD 0.00036 and 0.00046; 1000 Genomes Project 30x 0.00047; 1000 Genomes Project 0.00060; ExAC 0.00088.

Submissions (3):

Blueprint Genetics
Classification: Benign. Last evaluated: 2024-10-28. Review status: criteria provided, single submitter. Criteria: ACMG Guidelines, 2015. Collection method: clinical testing. Allele origin: germline.

Department of Pathology and Laboratory Medicine, Sinai Health System
Classification: Benign for Polycystic kidney disease, adult type. Last evaluated: 2023-02-06. Review status: criteria provided, single submitter. Criteria: ACMG Guidelines, 2015. Collection method: clinical testing. Allele origin: germline. Affected: yes.

GeneDx
Classification: Likely benign. Last evaluated: 2020-10-08. Review status: criteria provided, single submitter. Criteria: GeneDx Variant Classification Process June 2021. Collection method: clinical testing. Allele origin: germline. Affected: yes.
Comment: This variant is associated with the following publications: (PMID: 22185115)

NM_001009944.3(PKD1):c.5598C>T (p.Leu1866=)

Gene: PKD1 (polycystin 1, transient receptor potential channel interacting; minus strand). Cytogenetic location: 16p13.3.
Variant type: single nucleotide variant.
Coding change: c.5598C>T on transcript NM_001009944.3 (MANE Select); coding-DNA position 5598, C replaced by T.
Protein change: p.Leu1866=; no amino-acid change (leucine 1866 retained).
Molecular consequence: synonymous variant.
Genome position (GRCh38, 1-based): chr16:2,109,569, G>A on the plus strand (C>T on the coding strand, the complement: PKD1 is on the minus strand). VCF-style: chr16-2109569-G-A. GRCh37 (hg19) VCF-style: chr16-2159570-G-A.
Other names: c.5598C>T, p.Leu1866= (NM_000296.4).
Identifiers: ClinVar variation 1186730 (VCV001186730.4), dbSNP rs200853000, ClinGen allele CA7831925.